The following is an entry in ClinVar:

NM_004172.5(SLC1A3):c.870C>T (p.Pro290=)

Genes: SLC1A3 (solute carrier family 1 member 3; plus strand), SLC1A3-AS1 (SLC1A3 antisense RNA 1; minus strand). Cytogenetic location: 5p13.2.
Variant type: single nucleotide variant.
Coding change: c.870C>T on transcript NM_004172.5 (MANE Select); coding-DNA position 870, C replaced by T.
Protein change: p.Pro290=; no amino-acid change (proline 290 retained).
Molecular consequence: synonymous variant.
Genome position (GRCh38, 1-based): chr5:36,679,636, C>T. VCF-style: chr5-36679636-C-T. GRCh37 (hg19) VCF-style: chr5-36679738-C-T.
Other names: c.870C>T, p.Pro290= (NM_001166695.3); c.732C>T, p.Pro244= (NM_001289939.2); c.534C>T, p.Pro178= (NM_001289940.2).
Identifiers: ClinVar variation 3388502 (VCV003388502.14).

ClinVar aggregate classification (germline): Likely benign (1 of 4 stars; one submission).

gnomAD v4.1: 40 of 1,613,046 alleles (0.0025%); highest among the groups gnomAD compares: East Asian, 0.027%; no homozygotes.

Submission:

CeGaT Center for Human Genetics Tuebingen
Classification: Likely benign. Last evaluated: 2024-12-01. Review status: criteria provided, single submitter. Criteria: CeGaT Center For Human Genetics Tuebingen Variant Classification Criteria Version 2. Collection method: clinical testing. Allele origin: germline. Affected: yes. Observed: 2 variant alleles.
Comment: SLC1A3: BP4, BP7